The following is an entry in ClinVar:

ClinVar aggregate classification (germline): Uncertain significance. Review status: criteria provided, multiple submitters, no conflicts (2 of 4 stars). 3 submissions from 3 submitters: Uncertain significance (3). Last evaluated 2025-05-23.

Allele frequency attached by ClinVar (database versions not stated): gnomAD exomes below 0.00001 and 0.00001.
gnomAD v4.1: 8 of 1,611,442 alleles (0.0005%); highest among the groups gnomAD compares: African/African-American, 0.0013%; no homozygotes.

Submissions (3):

Ambry Genetics
Classification: Uncertain significance. Last evaluated: 2025-05-23. Review status: criteria provided, single submitter. Criteria: Ambry Variant Classification Scheme 2023. Collection method: clinical testing. Allele origin: germline.
Comment: The p.R407Q variant (also known as c.1220G>A), located in coding exon 10 of the RECQL gene, results from a G to A substitution at nucleotide position 1220. The arginine at codon 407 is replaced by glutamine, an amino acid with highly similar properties. This amino acid position is highly conserved in available vertebrate species. In addition, this alteration is predicted to be deleterious by in silico analysis. Since supporting evidence is limited at this time, the clinical significance of this alteration remains unclear.

GeneDx
Classification: Uncertain significance. Last evaluated: 2024-08-27. Review status: criteria provided, single submitter. Criteria: GeneDx Variant Classification Process June 2021. Collection method: clinical testing. Allele origin: germline. Affected: yes.
Comment: Not observed at significant frequency in large population cohorts (gnomAD); In silico analysis supports that this missense variant has a deleterious effect on protein structure/function; Has not been previously published as pathogenic or benign to our knowledge; Variants in candidate genes are classified as variants of uncertain significance in accordance with ACMG guidelines (PMID: 25741868); This variant is associated with the following publications: (PMID: 27248010, 19151156)

Labcorp Genetics (formerly Invitae), Labcorp
Classification: Uncertain significance. Last evaluated: 2022-05-30. Review status: criteria provided, single submitter. Criteria: Invitae Variant Classification Sherloc (09022015). Collection method: clinical testing. Allele origin: germline.
Comment: This sequence change replaces arginine, which is basic and polar, with glutamine, which is neutral and polar, at codon 407 of the RECQL protein (p.Arg407Gln). This variant is present in population databases (no rsID available, gnomAD 0.003%). This variant has not been reported in the literature in individuals affected with RECQL-related conditions. ClinVar contains an entry for this variant (Variation ID: 1312580). Algorithms developed to predict the effect of missense changes on protein structure and function are either unavailable or do not agree on the potential impact of this missense change (SIFT: "Deleterious"; PolyPhen-2: "Probably Damaging"; Align-GVGD: "Class C0"). In summary, the available evidence is currently insufficient to determine the role of this variant in disease. Therefore, it has been classified as a Variant of Uncertain Significance.

NM_002907.4(RECQL):c.1220G>A (p.Arg407Gln)

Gene: RECQL (RecQ like helicase; minus strand). Cytogenetic location: 12p12.1.
Variant type: single nucleotide variant.
Coding change: c.1220G>A on transcript NM_002907.4 (MANE Select); coding-DNA position 1220, G replaced by A.
Protein change: p.Arg407Gln; replaces arginine 407 with glutamine.
Molecular consequence: missense variant.
Genome position (GRCh38, 1-based): chr12:21,474,976, C>T on the plus strand (G>A on the coding strand, the complement: RECQL is on the minus strand). VCF-style: chr12-21474976-C-T. GRCh37 (hg19) VCF-style: chr12-21627910-C-T.
Other names: c.1220G>A, p.Arg407Gln (NM_032941.3); short protein forms R407Q.
Identifiers: ClinVar variation 1312580 (VCV001312580.13), dbSNP rs1176731657, ClinGen allele CA384119008.